The following is an entry in ClinVar:

ClinVar aggregate classification (germline): Uncertain significance (1 of 4 stars; one submission).

Conditions:
Congenital contractural arachnodactyly (CCA). Also called: Beals-Hecht syndrome; BEALS SYNDROME; Arthrogryposis, distal, type 9. Identifiers: Orphanet 115, MedGen C0220668, MONDO:0007363, OMIM 121050.

Submission:

Labcorp Genetics (formerly Invitae), Labcorp
Classification: Uncertain significance for Congenital contractural arachnodactyly. Last evaluated: 2023-03-20. Review status: criteria provided, single submitter. Criteria: Invitae Variant Classification Sherloc (09022015). Collection method: clinical testing. Allele origin: germline.
Comment: In summary, the available evidence is currently insufficient to determine the role of this variant in disease. Therefore, it has been classified as a Variant of Uncertain Significance. Algorithms developed to predict the effect of sequence changes on RNA splicing suggest that this variant may disrupt the consensus splice site. Disruption of this splice site has been observed in individual(s) with clinical features of congenital contractural arachnodactyly (Invitae). This variant is not present in population databases (gnomAD no frequency). This sequence change affects an acceptor splice site in intron 51 of the FBN2 gene. It is expected to disrupt RNA splicing. Variants that disrupt the donor or acceptor splice site typically lead to a loss of protein function (PMID: 16199547), however the current clinical and genetic evidence is not sufficient to establish whether loss-of-function variants in FBN2 cause disease.

Literature cited by the submitters: PubMed 16199547.

NM_001999.4(FBN2):c.6512-2A>T

Gene: FBN2 (fibrillin 2; minus strand). Cytogenetic location: 5q23.3.
Variant type: single nucleotide variant.
Coding change: c.6512-2A>T on transcript NM_001999.4 (MANE Select); the canonical splice acceptor site of the intron before coding-DNA position 6512, A replaced by T.
Molecular consequence: splice acceptor variant.
Genome position (GRCh38, 1-based): chr5:128,289,254, T>A on the plus strand (A>T on the coding strand, the complement: FBN2 is on the minus strand). VCF-style: chr5-128289254-T-A. GRCh37 (hg19) VCF-style: chr5-127624946-T-A.
Identifiers: ClinVar variation 2847730 (VCV002847730.3), dbSNP rs863223580, ClinGen allele CA360761487.